The following is an entry in ClinVar:

NM_001370259.2(MEN1):c.32del (p.Phe11fs)

Gene: MEN1 (menin 1; minus strand). Cytogenetic location: 11q13.1.
Variant type: Deletion.
Coding change: c.32del on transcript NM_001370259.2 (MANE Select); coding-DNA position 32, one base deleted (T; older notation c.32delT).
Protein change: p.Phe11fs; shifts the reading frame from phenylalanine 11.
Molecular consequence: frameshift variant.
Genome position (GRCh38, 1-based): chr11:64,810,078, A deleted on the plus strand (T on the coding strand, the reverse complement: MEN1 is on the minus strand); the first of 2 consecutive A bases (chr11:64,810,078-64,810,079); deleting either gives the same sequence. VCF-style (leftmost placement, unchanged base first): chr11-64810077-GA-G. GRCh37 (hg19) VCF-style: chr11-64577549-GA-G.
Other names: c.32delT (NM_130799.2); c.32del, p.Phe11fs (NM_000244.4, NM_001370251.2, NM_001370260.2 and 9 more transcripts); short protein forms F11fs.
Identifiers: ClinVar variation 823494 (VCV000823494.5), dbSNP rs1592661082, ClinGen allele CA915948192.

ClinVar aggregate classification (germline): Pathogenic (1 of 4 stars; one submission).

Conditions:
Hereditary cancer-predisposing syndrome. Also called: Tumor predisposition; Hereditary Cancer Syndrome; Neoplastic Syndromes, Hereditary; Hereditary neoplastic syndrome. Identifiers: Orphanet 140162, MedGen C0027672, MeSH D009386, MONDO:0015356.

Submission:

Ambry Genetics
Classification: Pathogenic for Hereditary cancer-predisposing syndrome. Last evaluated: 2018-11-19. Review status: criteria provided, single submitter. Criteria: Ambry Variant Classification Scheme 2023. Collection method: clinical testing. Allele origin: germline.
Comment: The c.32delT pathogenic mutation, located in coding exon 1 of the MEN1 gene, results from a deletion of one nucleotide at nucleotide position 32, causing a translational frameshift with a predicted alternate stop codon (p.F11Sfs*108). This alteration is expected to result in loss of function by premature protein truncation or nonsense-mediated mRNA decay. As such, this alteration is interpreted as a disease-causing mutation.